The following is an entry in ClinVar:

NM_005050.4(ABCD4):c.1588C>T (p.Gln530Ter)

Gene: ABCD4 (ATP binding cassette subfamily D member 4; minus strand). Cytogenetic location: 14q24.3.
Variant type: single nucleotide variant.
Coding change: c.1588C>T on transcript NM_005050.4 (MANE Select); coding-DNA position 1588, C replaced by T.
Protein change: p.Gln530Ter; replaces glutamine 530 with a stop codon.
Molecular consequence: nonsense. On other transcripts: synonymous variant (1), non-coding transcript variant (10).
Genome position (GRCh38, 1-based): chr14:74,287,858, G>A on the plus strand (C>T on the coding strand, the complement: ABCD4 is on the minus strand). VCF-style: chr14-74287858-G-A. GRCh37 (hg19) VCF-style: chr14-74754561-G-A.
Other names: c.1111C>T, p.Gln371Ter (NM_001353601.2, NM_001353598.2, NM_001353599.2 and 2 more transcripts); c.799C>T, p.Gln267Ter (NM_001353602.2, NM_001353603.2, NM_001353604.2 and 5 more transcripts); c.1462C>T, p.Gln488Ter (NM_001353591.2, NM_001353592.2); c.1327C>T, p.Gln443Ter (NM_001353593.2); c.1276C>T, p.Gln426Ter (NM_001353594.2); c.1174C>T, p.Gln392Ter (NM_001353595.2, NM_001353596.2); c.1123C>T, p.Gln375Ter (NM_001353597.2); c.855C>T, p.Cys285= (NM_001353610.2); and 1 more; short protein forms Q530*, Q267*, Q375*, Q371*, Q426*, Q443*, Q392*, Q488*.
Identifiers: ClinVar variation 583152 (VCV000583152.11), dbSNP rs767795583, ClinGen allele CA7266682.
Genomic context (GRCh38, chr14:74,287,858, plus strand): 5'-GCGAGACCTCACCTGCGTACTTCGGCTGCAGGTAGAAGAGTCGGGCAAAGGAGAGCCGTT[G>A]CATCTCCCCCGGGGACAGAACATCATACCTGAGGAAAGGTAGGAGAGAGGACTGCTAGAG-3'

ClinVar aggregate classification (germline): Pathogenic/Likely pathogenic. Review status: criteria provided, multiple submitters, no conflicts (2 of 4 stars). 4 submissions from 4 submitters: Pathogenic (1); Likely pathogenic (3). Last evaluated 2024-07-28.

Conditions:
Methylmalonic acidemia with homocystinuria, type cblJ (MAHCJ). Also called: METHYLMALONIC ACIDURIA AND HOMOCYSTINURIA, cblJ TYPE. Identifiers: Orphanet 369955, MedGen C3553915, MONDO:0013925, OMIM 614857.
Cobalamin C disease. Also called: methylmalonic aciduria and homocystinuria type cblC; Methylmalonic aciduria and homocystinuria, Vitamin B12-responsive; Vitamin B12 metabolic defect with combined deficiency of methylmalonyl-CoA mutase and homocysteine:methyltetrahydrofolate methyltransferase; Methylmalonic aciduria with homocystinuria cblC type; Cobalamin-C methylmalonic acidemia and homocystinuria; Methylmalonic acidemia and homocystinuria cblC type. Identifiers: Orphanet 26, Orphanet 79282, MedGen C1848561, MONDO:0010184, OMIM 277400.

Allele frequency attached by ClinVar (database versions not stated): gnomAD exomes below 0.00001; TOPMed below 0.00001; ExAC 0.00001.
gnomAD v4.1: 27 of 1,613,362 alleles (0.0017%); highest among the groups gnomAD compares: Non-Finnish European, 0.0023%; no homozygotes.

Submissions (4):

GeneDx
Classification: Likely pathogenic. Last evaluated: 2024-07-28. Review status: criteria provided, single submitter. Criteria: GeneDx Variant Classification Process June 2021. Collection method: clinical testing. Allele origin: germline. Affected: yes.
Comment: Nonsense variant predicted to result in protein truncation or nonsense mediated decay in a gene for which loss of function is a known mechanism of disease; Not observed at significant frequency in large population cohorts (gnomAD); Has not been previously published as pathogenic or benign to our knowledge

Women's Health and Genetics/Laboratory Corporation of America, LabCorp
Classification: Likely pathogenic for Cobalamin C disease. Last evaluated: 2022-05-11. Review status: criteria provided, single submitter. Criteria: LabCorp Variant Classification Summary - May 2015. Collection method: clinical testing. Allele origin: germline.
Comment: Variant summary: ABCD4 c.1588C>T (p.Gln530X) results in a premature termination codon, predicted to cause a truncation of the encoded protein or absence of the protein due to nonsense mediated decay, which are commonly known mechanisms for disease. Truncations downstream of this position have been observed in association with inborn error of vitamin B12 metabolism in the HGMD database. The variant allele was found at a frequency of 4e-06 in 249354 control chromosomes. To our knowledge, no occurrence of c.1588C>T in individuals affected with Methylmalonic Acidemia With Homocystinuria and no experimental evidence demonstrating its impact on protein function have been reported. One clinical diagnostic laboratory has submitted clinical-significance assessments for this variant to ClinVar after 2014 and classified the variant as pathogenic. Based on the evidence outlined above, the variant was classified as likely pathogenic.

Labcorp Genetics (formerly Invitae), Labcorp
Classification: Pathogenic for Methylmalonic acidemia with homocystinuria, type cblJ. Last evaluated: 2017-10-18. Review status: criteria provided, single submitter. Criteria: Invitae Variant Classification Sherloc (09022015). Collection method: clinical testing. Allele origin: germline.
Comment: This sequence change creates a premature translational stop signal (p.Gln530*) in the ABCD4 gene. It is expected to result in an absent or disrupted protein product. For these reasons, this variant has been classified as Pathogenic. Loss-of-function variants in ABCD4 are known to be pathogenic (PMID: 22922874). Algorithms developed to predict the effect of sequence changes on RNA splicing suggest that this variant may create or strengthen a splice site, but this prediction has not been confirmed by published transcriptional studies. This variant has not been reported in the literature in individuals with ABCD4-related disease. This variant is present in population databases (rs767795583, ExAC 0.002%).

Neuberg Centre For Genomic Medicine, NCGM
Classification: Likely pathogenic for Methylmalonic acidemia with homocystinuria, type cblJ. Review status: criteria provided, single submitter. Criteria: ACMG Guidelines, 2015. Collection method: clinical testing. Allele origin: germline. Inheritance: Autosomal recessive inheritance. Affected: yes.
Comment: The stop gained c.1588C>T (p.Gln530Ter) variant has been submitted to ClinVar as Pathogenic but no evidences are provided for independent assessment. This p.Gln530Ter variant has allele frequency of 0.00040% in the gnomAD and novel (not in any individuals) in 1000 genome database. The nucleotide change c.1588C>T in ABCD4 is predicted as conserved by GERP++ and PhyloP across 100 vertebrates. This variant is predicted to cause loss of normal protein function through protein truncation. Loss of function variants have been previously reported to be disease causing. For these reasons, this variant has been classified as Likely Pathogenic. In the absence of another variant in ABCD4 gene, the molecular diagnosis can not be confirmed.

Literature cited by the submitters: PubMed 22922874 (cited by Labcorp Genetics (formerly Invitae), Labcorp).